The following is an entry in ClinVar:

ClinVar aggregate classification (germline): Benign (1 of 4 stars; one submission).

Conditions:
Familial cancer of breast. Also called: hereditary breast carcinoma; Hereditary breast cancer; BREAST CANCER, FAMILIAL. Identifiers: Orphanet 227535, MedGen C0346153, MONDO:0016419, OMIM 114480. Disease mechanism: loss of function.

gnomAD v4.1: 3 of 1,614,170 alleles (0.00019%); highest among the groups gnomAD compares: Non-Finnish European, 0.00025%; no homozygotes.

Submission:

Myriad Genetics, Inc.
Classification: Benign for Familial cancer of breast. Last evaluated: 2024-09-09. Review status: criteria provided, single submitter. Criteria: Myriad Autosomal Dominant, Autosomal Recessive and X-Linked Classification Criteria (2023). Collection method: clinical testing. Allele origin: unknown.
Comment: This variant is considered benign. This variant is a silent/synonymous amino acid change and it is not expected to impact splicing.

NM_032043.3(BRIP1):c.3090C>T (p.Ala1030=)

Gene: BRIP1 (BRCA1 interacting DNA helicase 1; minus strand). Cytogenetic location: 17q23.2.
Variant type: single nucleotide variant.
Coding change: c.3090C>T on transcript NM_032043.3 (MANE Select); coding-DNA position 3090, C replaced by T.
Protein change: p.Ala1030=; no amino-acid change (alanine 1030 retained).
Molecular consequence: synonymous variant.
Genome position (GRCh38, 1-based): chr17:61,683,956, G>A on the plus strand (C>T on the coding strand, the complement: BRIP1 is on the minus strand). VCF-style: chr17-61683956-G-A. GRCh37 (hg19) VCF-style: chr17-59761317-G-A.
Identifiers: ClinVar variation 3379353 (VCV003379353.1).